The following is an entry in ClinVar:

NM_003482.4(KMT2D):c.5084-3T>C

Gene: KMT2D (lysine methyltransferase 2D; minus strand). Cytogenetic location: 12q13.12.
Variant type: single nucleotide variant.
Coding change: c.5084-3T>C on transcript NM_003482.4 (MANE Select); 3 bases into the intron before coding-DNA position 5084, T replaced by C.
Molecular consequence: intron variant.
Genome position (GRCh38, 1-based): chr12:49,044,307, A>G on the plus strand (T>C on the coding strand, the complement: KMT2D is on the minus strand). VCF-style: chr12-49044307-A-G. GRCh37 (hg19) VCF-style: chr12-49438090-A-G.
Identifiers: ClinVar variation 2871853 (VCV002871853.3), dbSNP rs201694574, ClinGen allele CA6547626.

ClinVar aggregate classification (germline): Uncertain significance (1 of 4 stars; one submission).

Conditions:
Kabuki syndrome. Also called: NIIKAWA-KUROKI SYNDROME; Kabuki make-up syndrome. Identifiers: Orphanet 2322, MedGen C0796004, MONDO:0016512.

Allele frequency attached by ClinVar (database versions not stated): gnomAD exomes below 0.00001; ExAC 0.00001; gnomAD 0.00001; 1000 Genomes Project 0.00020; 1000 Genomes Project 30x 0.00031.
gnomAD v4.1: 8 of 1,613,874 alleles (0.0005%); highest among the groups gnomAD compares: East Asian, 0.0067%; no homozygotes.

Submission:

Labcorp Genetics (formerly Invitae), Labcorp
Classification: Uncertain significance for Kabuki syndrome. Last evaluated: 2023-01-28. Review status: criteria provided, single submitter. Criteria: Invitae Variant Classification Sherloc (09022015). Collection method: clinical testing. Allele origin: germline.
Comment: In summary, the available evidence is currently insufficient to determine the role of this variant in disease. Therefore, it has been classified as a Variant of Uncertain Significance. Variants that disrupt the consensus splice site are a relatively common cause of aberrant splicing (PMID: 17576681, 9536098). Algorithms developed to predict the effect of sequence changes on RNA splicing suggest that this variant is not likely to affect RNA splicing. This variant has not been reported in the literature in individuals affected with KMT2D-related conditions. This variant is present in population databases (rs201694574, gnomAD 0.02%). This sequence change falls in intron 20 of the KMT2D gene. It does not directly change the encoded amino acid sequence of the KMT2D protein. It affects a nucleotide within the consensus splice site.

Literature cited by the submitters: PubMed 17576681; PubMed 9536098.